The following is an entry in ClinVar:

NM_005592.4(MUSK):c.1440CTC[2] (p.Ser485del)

Gene: MUSK (muscle associated receptor tyrosine kinase; plus strand). Cytogenetic location: 9q31.3.
Variant type: Microsatellite.
Coding change: c.1440CTC[2] on transcript NM_005592.4 (MANE Select); two copies in a row of the 3-base unit CTC starting at c.1440; the reference has three copies in a row; one copy, 3 bases deleted.
Protein change: p.Ser485del; deletes serine 485.
Molecular consequence: inframe deletion.
Genome position (GRCh38, 1-based): chr9:110,784,876-110,784,878, CTC deleted; deleting any 3 consecutive bases within chr9:110,784,868-110,784,878 gives the same sequence; the position shown is the placement nearest the transcript's 3' end. VCF-style (leftmost placement, unchanged base first): chr9-110784867-TTCC-T. GRCh37 (hg19) VCF-style: chr9-113547147-TTCC-T.
Other names: c.1182CTC[2], p.Ser399del (NM_001166280.2); c.1152CTC[2], p.Ser389del (NM_001166281.2); c.180CTC[2], p.Ser65del (NM_001369398.1); short protein forms S389del, S399del, S65del, S485del.
Identifiers: ClinVar variation 2021446 (VCV002021446.4), dbSNP rs2491146410, ClinGen allele CA2580616287.

ClinVar aggregate classification (germline): Uncertain significance (1 of 4 stars; one submission).

Conditions:
Fetal akinesia deformation sequence 1 (FADS1). Also called: Pena-Shokeir syndrome type I; Fetal akinesia sequence. Identifiers: Orphanet 994, MedGen C1276035, MONDO:0100101, OMIM 208150, HP:0001989.
Congenital myasthenic syndrome 9. Also called: Myasthenic syndrome, congenital, 9, associated with acetylcholine receptor deficiency. Identifiers: Orphanet 590, MedGen C4225368, MONDO:0014587, OMIM 616325.

Submission:

Labcorp Genetics (formerly Invitae), Labcorp
Classification: Uncertain significance for Congenital myasthenic syndrome 9; Fetal akinesia deformation sequence 1. Last evaluated: 2022-08-04. Review status: criteria provided, single submitter. Criteria: Invitae Variant Classification Sherloc (09022015). Collection method: clinical testing. Allele origin: germline.
Comment: In summary, the available evidence is currently insufficient to determine the role of this variant in disease. Therefore, it has been classified as a Variant of Uncertain Significance. Experimental studies and prediction algorithms are not available or were not evaluated, and the functional significance of this variant is currently unknown. This variant has not been reported in the literature in individuals affected with MUSK-related conditions. This variant is not present in population databases (gnomAD no frequency). This variant, c.1446_1448del, results in the deletion of 1 amino acid(s) of the MUSK protein (p.Ser485del), but otherwise preserves the integrity of the reading frame.